The following is an entry in ClinVar:

NM_170707.4(LMNA):c.1055T>C (p.Met352Thr)

Gene: LMNA (lamin A/C; plus strand). Cytogenetic location: 1q22.
Variant type: single nucleotide variant.
Coding change: c.1055T>C on transcript NM_170707.4 (MANE Select); coding-DNA position 1055, T replaced by C.
Protein change: p.Met352Thr; replaces methionine 352 with threonine.
Molecular consequence: missense variant.
Genome position (GRCh38, 1-based): chr1:156,136,019, T>C. VCF-style: chr1-156136019-T-C. GRCh37 (hg19) VCF-style: chr1-156105810-T-C.
Other names: c.719T>C, p.Met240Thr (NM_001257374.3, NM_001406989.1, NM_001406998.1); c.812T>C, p.Met271Thr (NM_001282624.2, NM_001406986.1, NM_001406987.1); c.1055T>C, p.Met352Thr (NM_001282625.2, NM_001282626.2, NM_001406983.1 and 6 more transcripts); c.758T>C, p.Met253Thr (NM_001406988.1); c.497T>C, p.Met166Thr (NM_001406990.1, NM_001407002.1, NM_001407003.1 and 4 more transcripts); c.431T>C, p.Met144Thr (NM_001407001.1, NM_001406994.1, NM_001406999.1 and 1 more transcripts); short protein forms M144T, M240T, M253T, M166T, M271T, M352T.
Identifiers: ClinVar variation 2728396 (VCV002728396.3), dbSNP rs2527991725, ClinGen allele CA342820281.

ClinVar aggregate classification (germline): Uncertain significance (1 of 4 stars; one submission).

Conditions:
Charcot-Marie-Tooth disease type 2. Also called: Charcot-Marie-Tooth type 2. Identifiers: Orphanet 64746, MedGen C0270914, MONDO:0018993.

Submission:

Labcorp Genetics (formerly Invitae), Labcorp
Classification: Uncertain significance for Charcot-Marie-Tooth disease type 2. Last evaluated: 2024-01-31. Review status: criteria provided, single submitter. Criteria: Invitae Variant Classification Sherloc (09022015). Collection method: clinical testing. Allele origin: germline.
Comment: This sequence change replaces methionine, which is neutral and non-polar, with threonine, which is neutral and polar, at codon 352 of the LMNA protein (p.Met352Thr). This variant is not present in population databases (gnomAD no frequency). This variant has not been reported in the literature in individuals affected with LMNA-related conditions. Advanced modeling of protein sequence and biophysical properties (such as structural, functional, and spatial information, amino acid conservation, physicochemical variation, residue mobility, and thermodynamic stability) performed at Invitae indicates that this missense variant is expected to disrupt LMNA protein function with a positive predictive value of 95%. In summary, the available evidence is currently insufficient to determine the role of this variant in disease. Therefore, it has been classified as a Variant of Uncertain Significance.